The following is an entry in ClinVar:

NM_001164508.2(NEB):c.20258G>A (p.Ser6753Asn)

Gene: NEB (nebulin; minus strand). Cytogenetic location: 2q23.3.
Variant type: single nucleotide variant.
Coding change: c.20258G>A on transcript NM_001164508.2 (MANE Select); coding-DNA position 20258, G replaced by A.
Protein change: p.Ser6753Asn; replaces serine 6753 with asparagine.
Molecular consequence: missense variant.
Genome position (GRCh38, 1-based): chr2:151,547,638, C>T on the plus strand (G>A on the coding strand, the complement: NEB is on the minus strand). VCF-style: chr2-151547638-C-T. GRCh37 (hg19) VCF-style: chr2-152404152-C-T.
Other names: c.20258G>A, p.Ser6753Asn (NM_001164507.2, NM_001271208.2); c.15155G>A, p.Ser5052Asn (NM_004543.5); short protein forms S5052N, S6753N.
Identifiers: ClinVar variation 1001815 (VCV001001815.6), dbSNP rs2094881047, ClinGen allele CA348783544.
Genomic context (GRCh38, chr2:151,547,638, plus strand): 5'-ATGATTAACATTCATCCCTAGTCTCTACTCCCTGTCTTTCCTAAGAAAATACCCACCTCA[C>T]TGACAGCCTCTTGTGTCTTCTTGACTTGGCGGATCTCAGGGGTATCGGGAGTTGTATGGA-3'
Protein context (NP_001157980.2, residues 6743-6763): RQVKKTQEAV[Ser6753Asn]ELIYKSDFFK

ClinVar aggregate classification (germline): Uncertain significance (1 of 4 stars; one submission).

Conditions:
Nemaline myopathy 2 (NEM2). Also called: Nemaline myopathy 2, autosomal recessive. Identifiers: MedGen C1850569, MONDO:0009725, OMIM 256030.

Allele frequency attached by ClinVar (database versions not stated): gnomAD 0.00001.
gnomAD v4.1: 1 of 1,613,532 alleles (0.000062%); highest among the groups gnomAD compares: Non-Finnish European, 0.000085%; no homozygotes.

Submission:

Labcorp Genetics (formerly Invitae), Labcorp
Classification: Uncertain significance for Nemaline myopathy 2. Last evaluated: 2021-08-26. Review status: criteria provided, single submitter. Criteria: Invitae Variant Classification Sherloc (09022015). Collection method: clinical testing. Allele origin: germline.
Comment: This sequence change replaces serine with asparagine at codon 6753 of the NEB protein (p.Ser6753Asn). The serine residue is moderately conserved and there is a small physicochemical difference between serine and asparagine. This variant is not present in population databases (ExAC no frequency). This variant has not been reported in the literature in individuals affected with NEB-related conditions. Algorithms developed to predict the effect of missense changes on protein structure and function are either unavailable or do not agree on the potential impact of this missense change (SIFT: "Deleterious"; PolyPhen-2: "Not Available"; Align-GVGD: "Class C0"). In summary, the available evidence is currently insufficient to determine the role of this variant in disease. Therefore, it has been classified as a Variant of Uncertain Significance.